The following is an entry in ClinVar:

NM_000059.4(BRCA2):c.2507C>T (p.Pro836Leu)

Gene: BRCA2 (BRCA2 DNA repair associated; plus strand). Cytogenetic location: 13q13.1.
Variant type: single nucleotide variant.
Coding change: c.2507C>T on transcript NM_000059.4 (MANE Select); coding-DNA position 2507, C replaced by T.
Protein change: p.Pro836Leu; replaces proline 836 with leucine.
Molecular consequence: missense variant.
Genome position (GRCh38, 1-based): chr13:32,336,862, C>T. VCF-style: chr13-32336862-C-T. GRCh37 (hg19) VCF-style: chr13-32910999-C-T.
Other names: 2735C>T; short protein forms P836L.
Identifiers: ClinVar variation 37789 (VCV000037789.15), dbSNP rs397507288, ClinGen allele CA015505.

ClinVar aggregate classification (germline): Conflicting classifications of pathogenicity. Review status: criteria provided, conflicting classifications (1 of 4 stars). 5 submissions from 5 submitters: Uncertain significance (3); Likely benign (1). 1 of the submissions does not count toward it. Last evaluated 2024-08-28.

Conditions:
Hereditary cancer-predisposing syndrome. Also called: Tumor predisposition; Neoplastic Syndromes, Hereditary; Hereditary neoplastic syndrome; Hereditary Cancer Syndrome. Identifiers: Orphanet 140162, MedGen C0027672, MeSH D009386, MONDO:0015356.
Hereditary breast ovarian cancer syndrome. Also called: Hereditary breast and ovarian cancer; Hereditary breast and ovarian cancer syndrome (HBOC); Hereditary breast and/or ovarian cancer syndrome; Breast and ovarian cancer; Hereditary breast and ovarian cancer syndrome; BRCA1- and BRCA2-Associated Hereditary Breast and Ovarian Cancer. Identifiers: Orphanet 145, MedGen C0677776, MeSH D061325, MONDO:0003582. Disease mechanism: loss of function.
Breast-ovarian cancer, familial, susceptibility to, 2 (BROVCA2). Also called: BRCA2 Hereditary Breast and Ovarian Cancer. Identifiers: Orphanet 145, MedGen C2675520, MONDO:0012933, OMIM 612555. Disease mechanism: loss of function.

Allele frequency attached by ClinVar (database versions not stated): gnomAD 0.00001.
gnomAD v4.1: 1 of 1,609,794 alleles (0.000062%); highest among the groups gnomAD compares: African/African-American, 0.0013%; no homozygotes.

Submissions (5):

Ambry Genetics
Classification: Uncertain significance for Hereditary cancer-predisposing syndrome. Last evaluated: 2024-08-28. Review status: criteria provided, single submitter. Criteria: Ambry Variant Classification Scheme 2023. Collection method: clinical testing. Allele origin: germline.
Comment: The p.P836L variant (also known as c.2507C>T), located in coding exon 10 of the BRCA2 gene, results from a C to T substitution at nucleotide position 2507. The proline at codon 836 is replaced by leucine, an amino acid with similar properties. This amino acid position is not well conserved in available vertebrate species. In addition, this alteration is predicted to be tolerated by in silico analysis. Since supporting evidence is limited at this time, the clinical significance of this alteration remains unclear.

Labcorp Genetics (formerly Invitae), Labcorp
Classification: Uncertain significance for Hereditary breast ovarian cancer syndrome. Last evaluated: 2023-04-04. Review status: criteria provided, single submitter. Criteria: Invitae Variant Classification Sherloc (09022015). Collection method: clinical testing. Allele origin: germline.
Comment: In summary, the available evidence is currently insufficient to determine the role of this variant in disease. Therefore, it has been classified as a Variant of Uncertain Significance. This sequence change replaces proline, which is neutral and non-polar, with leucine, which is neutral and non-polar, at codon 836 of the BRCA2 protein (p.Pro836Leu). This variant is present in population databases (rs397507288, gnomAD 0.01%). This variant has not been reported in the literature in individuals affected with BRCA2-related conditions. ClinVar contains an entry for this variant (Variation ID: 37789). Advanced modeling of protein sequence and biophysical properties (such as structural, functional, and spatial information, amino acid conservation, physicochemical variation, residue mobility, and thermodynamic stability) performed at Invitae indicates that this missense variant is not expected to disrupt BRCA2 protein function.

University of Washington Department of Laboratory Medicine, University of Washington
Classification: Likely benign for Hereditary cancer-predisposing syndrome. Last evaluated: 2023-03-23. Review status: criteria provided, single submitter. Criteria: Dines et al. (Genet Med. 2020). Collection method: curation. Allele origin: germline.
Comment: Missense variant in a coldspot region where missense variants are very unlikely to be pathogenic (PMID:31911673).

BRCA2 exon 11 coldspot. Reclassification based on statistical prior probability.

Women's Health and Genetics/Laboratory Corporation of America, LabCorp
Classification: Uncertain significance. Last evaluated: 2022-01-01. Review status: criteria provided, single submitter. Criteria: LabCorp Variant Classification Summary - May 2015. Collection method: clinical testing. Allele origin: germline.

Sharing Clinical Reports Project (SCRP)
Classification: Uncertain significance for Breast-ovarian cancer, familial 2. Last evaluated: 2010-03-31. Review status: no assertion criteria provided. Collection method: clinical testing. Allele origin: germline. Not counted in ClinVar's aggregate classification.